The following is an entry in ClinVar:

NM_152383.5(DIS3L2):c.2096T>A (p.Phe699Tyr)

Gene: DIS3L2 (DIS3 like 3'-5' exoribonuclease 2; plus strand). Cytogenetic location: 2q37.1.
Variant type: single nucleotide variant.
Coding change: c.2096T>A on transcript NM_152383.5 (MANE Select); coding-DNA position 2096, T replaced by A.
Protein change: p.Phe699Tyr; replaces phenylalanine 699 with tyrosine.
Molecular consequence: missense variant. On other transcripts: non-coding transcript variant (2), intron variant (1).
Genome position (GRCh38, 1-based): chr2:232,333,925, T>A. VCF-style: chr2-232333925-T-A. GRCh37 (hg19) VCF-style: chr2-233198635-T-A.
Other names: c.1582-9420T>A (NM_001257281.2); short protein forms F699Y.
Identifiers: ClinVar variation 838355 (VCV000838355.9), dbSNP rs1695851700, ClinGen allele CA350977469.

ClinVar aggregate classification (germline): Uncertain significance (1 of 4 stars; one submission).

Conditions:
Perlman syndrome (PRLMNS). Identifiers: Orphanet 2849, MedGen C0796113, MONDO:0009965, OMIM 267000.

Submission:

Labcorp Genetics (formerly Invitae), Labcorp
Classification: Uncertain significance for Perlman syndrome. Last evaluated: 2025-02-24. Review status: criteria provided, single submitter. Criteria: Invitae Variant Classification Sherloc (09022015). Collection method: clinical testing. Allele origin: germline.
Comment: This sequence change replaces phenylalanine, which is neutral and non-polar, with tyrosine, which is neutral and polar, at codon 699 of the DIS3L2 protein (p.Phe699Tyr). This variant is not present in population databases (gnomAD no frequency). This variant has not been reported in the literature in individuals affected with DIS3L2-related conditions. ClinVar contains an entry for this variant (Variation ID: 838355). Invitae Evidence Modeling of protein sequence and biophysical properties (such as structural, functional, and spatial information, amino acid conservation, physicochemical variation, residue mobility, and thermodynamic stability) indicates that this missense variant is expected to disrupt DIS3L2 protein function with a positive predictive value of 80%. In summary, the available evidence is currently insufficient to determine the role of this variant in disease. Therefore, it has been classified as a Variant of Uncertain Significance.